The following is an entry in ClinVar:

ClinVar aggregate classification (germline): Uncertain significance. Review status: criteria provided, multiple submitters, no conflicts (2 of 4 stars). 2 submissions from 2 submitters: Uncertain significance (2). Last evaluated 2023-11-14.

Conditions:
Inborn genetic diseases. Identifiers: MedGen C0950123, MeSH D030342.

Allele frequency attached by ClinVar (database versions not stated): ExAC 0.00002; gnomAD 0.00013; TOPMed 0.00019; 1000 Genomes Project 30x 0.00031; ESP Exome Variant Server 0.00008; 1000 Genomes Project 0.00020; gnomAD exomes 0.00001.
gnomAD v4.1: 27 of 1,612,068 alleles (0.0017%); highest among the groups gnomAD compares: Admixed American, 0.04%; no homozygotes.

Submissions (2):

Ambry Genetics
Classification: Uncertain significance for Inborn genetic diseases. Last evaluated: 2023-11-14. Review status: criteria provided, single submitter. Criteria: Ambry Variant Classification Scheme 2023. Collection method: clinical testing. Allele origin: germline.

Labcorp Genetics (formerly Invitae), Labcorp
Classification: Uncertain significance. Last evaluated: 2021-09-01. Review status: criteria provided, single submitter. Criteria: Invitae Variant Classification Sherloc (09022015). Collection method: clinical testing. Allele origin: germline.
Comment: This sequence change replaces tyrosine with cysteine at codon 2882 of the ASPM protein (p.Tyr2882Cys). The tyrosine residue is weakly conserved and there is a large physicochemical difference between tyrosine and cysteine. This variant is present in population databases (rs145308167, ExAC 0.02%). This variant has not been reported in the literature in individuals affected with ASPM-related conditions. Algorithms developed to predict the effect of missense changes on protein structure and function output the following: SIFT: "Tolerated"; PolyPhen-2: "Benign"; Align-GVGD: "Class C0". The cysteine amino acid residue is found in multiple mammalian species, which suggests that this missense change does not adversely affect protein function. In summary, the available evidence is currently insufficient to determine the role of this variant in disease. Therefore, it has been classified as a Variant of Uncertain Significance.

NM_018136.5(ASPM):c.8645A>G (p.Tyr2882Cys)

Gene: ASPM (assembly factor for spindle microtubules; minus strand). Cytogenetic location: 1q31.3.
Variant type: single nucleotide variant.
Coding change: c.8645A>G on transcript NM_018136.5 (MANE Select); coding-DNA position 8645, A replaced by G.
Protein change: p.Tyr2882Cys; replaces tyrosine 2882 with cysteine.
Molecular consequence: missense variant. On other transcripts: intron variant (1).
Genome position (GRCh38, 1-based): chr1:197,100,606, T>C on the plus strand (A>G on the coding strand, the complement: ASPM is on the minus strand). VCF-style: chr1-197100606-T-C. GRCh37 (hg19) VCF-style: chr1-197069736-T-C.
Other names: c.4066-4442A>G (NM_001206846.2); c.8645A>G (NM_018136.4); short protein forms Y2882C.
Identifiers: ClinVar variation 1462449 (VCV001462449.6), dbSNP rs145308167, ClinGen allele CA1309179.
Genomic context (GRCh38, chr1:197,100,606, plus strand): 5'-TGATGTTTTGCAGACAGAAATGCTCTGTAGTGATTTTGTAAAACCACTGCTGCTTTTCTA[T>C]ATAGTAAAAACTGTTTTCTGGTTTGCCACGTCCTAAAATAATGCTGTAAAGTGATAGCAG-3'
Protein context (NP_060606.3, residues 2872-2892): TWQTRKQFLL[Tyr2882Cys]RKAAVVLQNH